The following is an entry in ClinVar:

NM_000255.4(MMUT):c.1444+6A>G

Gene: MMUT (methylmalonyl-CoA mutase; minus strand). Cytogenetic location: 6p12.3.
Variant type: single nucleotide variant.
Coding change: c.1444+6A>G on transcript NM_000255.4 (MANE Select); 6 bases into the intron after coding-DNA position 1444, A replaced by G.
Molecular consequence: intron variant.
Genome position (GRCh38, 1-based): chr6:49,448,810, T>C on the plus strand (A>G on the coding strand, the complement: MMUT is on the minus strand). VCF-style: chr6-49448810-T-C. GRCh37 (hg19) VCF-style: chr6-49416523-T-C.
Identifiers: ClinVar variation 2161928 (VCV002161928.3), dbSNP rs1349832828, ClinGen allele CA825474562.

ClinVar aggregate classification (germline): Uncertain significance (1 of 4 stars; one submission).

Allele frequency attached by ClinVar (database versions not stated): gnomAD exomes below 0.00001; TOPMed 0.00001.

Submission:

Labcorp Genetics (formerly Invitae), Labcorp
Classification: Uncertain significance. Last evaluated: 2024-01-08. Review status: criteria provided, single submitter. Criteria: Invitae Variant Classification Sherloc (09022015). Collection method: clinical testing. Allele origin: germline.
Comment: This sequence change falls in intron 7 of the MUT gene. It does not directly change the encoded amino acid sequence of the MUT protein. It affects a nucleotide within the consensus splice site. This variant is not present in population databases (gnomAD no frequency). This variant has not been reported in the literature in individuals affected with MUT-related conditions. ClinVar contains an entry for this variant (Variation ID: 2161928). Variants that disrupt the consensus splice site are a relatively common cause of aberrant splicing (PMID: 17576681, 9536098). Algorithms developed to predict the effect of sequence changes on RNA splicing suggest that this variant is not likely to affect RNA splicing. In summary, the available evidence is currently insufficient to determine the role of this variant in disease. Therefore, it has been classified as a Variant of Uncertain Significance.

Literature cited by the submitters: PubMed 17576681; PubMed 9536098.